The following is an entry in ClinVar:

NM_001379500.1(COL18A1):c.2099C>T (p.Pro700Leu)

Gene: COL18A1 (collagen type XVIII alpha 1 chain; plus strand). Cytogenetic location: 21q22.3.
Variant type: single nucleotide variant.
Coding change: c.2099C>T on transcript NM_001379500.1 (MANE Select); coding-DNA position 2099, C replaced by T.
Protein change: p.Pro700Leu; replaces proline 700 with leucine.
Molecular consequence: missense variant.
Genome position (GRCh38, 1-based): chr21:45,491,256, C>T. VCF-style: chr21-45491256-C-T. GRCh37 (hg19) VCF-style: chr21-46911170-C-T.
Other names: NM_130445.2:c.2099C>T; c.2639C>T, p.Pro880Leu (NM_030582.4); c.3344C>T, p.Pro1115Leu (NM_130444.3); c.2639C>T (NM_030582.3); short protein forms P700L, P1115L, P880L.
Identifiers: ClinVar variation 1360880 (VCV001360880.6), dbSNP rs370141116, ClinGen allele CA10066799.

ClinVar aggregate classification (germline): Uncertain significance. Review status: criteria provided, multiple submitters, no conflicts (2 of 4 stars). 3 submissions from 3 submitters: Uncertain significance (2). 1 of the submissions does not count toward it. Last evaluated 2024-10-16.

Conditions:
COL18A1-related disorder. Also called: COL18A1-related disorders; COL18A1-related condition.
Inborn genetic diseases. Identifiers: MedGen C0950123, MeSH D030342.

Allele frequency attached by ClinVar (database versions not stated): gnomAD 0.00003; TOPMed 0.00004; ESP Exome Variant Server 0.00008.
gnomAD v4.1: 27 of 1,612,320 alleles (0.0017%); highest among the groups gnomAD compares: African/African-American, 0.0053%; no homozygotes.

Submissions (3):

Labcorp Genetics (formerly Invitae), Labcorp
Classification: Uncertain significance. Last evaluated: 2024-10-16. Review status: criteria provided, single submitter. Criteria: Invitae Variant Classification Sherloc (09022015). Collection method: clinical testing. Allele origin: germline.
Comment: This sequence change replaces proline, which is neutral and non-polar, with leucine, which is neutral and non-polar, at codon 700 of the COL18A1 protein (p.Pro700Leu). This variant is present in population databases (rs370141116, gnomAD 0.01%). This variant has not been reported in the literature in individuals affected with COL18A1-related conditions. ClinVar contains an entry for this variant (Variation ID: 1360880). Experimental studies and prediction algorithms are not available or were not evaluated, and the functional significance of this variant is currently unknown. In summary, the available evidence is currently insufficient to determine the role of this variant in disease. Therefore, it has been classified as a Variant of Uncertain Significance.

Ambry Genetics
Classification: Uncertain significance for Inborn genetic diseases. Last evaluated: 2021-08-10. Review status: criteria provided, single submitter. Criteria: Ambry Variant Classification Scheme 2023. Collection method: clinical testing. Allele origin: germline.

PreventionGenetics, part of Exact Sciences
Classification: Uncertain significance for COL18A1-related condition. Last evaluated: 2024-09-27. Review status: no assertion criteria provided. Collection method: clinical testing. Allele origin: germline. Not counted in ClinVar's aggregate classification.
Comment: The COL18A1 c.2639C>T variant is predicted to result in the amino acid substitution p.Pro880Leu. To our knowledge, this variant has not been reported in the literature. This variant is reported in 0.0098% of alleles in individuals of Ashkenazi Jewish descent in gnomAD. At this time, the clinical significance of this variant is uncertain due to the absence of conclusive functional and genetic evidence.